The following is an entry in ClinVar:

NM_001243133.2(NLRP3):c.1440C>A (p.Ile480=)

Gene: NLRP3 (NLR family pyrin domain containing 3; plus strand). Cytogenetic location: 1q44.
Variant type: single nucleotide variant.
Coding change: c.1440C>A on transcript NM_001243133.2 (MANE Select); coding-DNA position 1440, C replaced by A.
Protein change: p.Ile480=; no amino-acid change (isoleucine 480 retained).
Molecular consequence: synonymous variant.
Genome position (GRCh38, 1-based): chr1:247,424,889, C>A. VCF-style: chr1-247424889-C-A. GRCh37 (hg19) VCF-style: chr1-247588191-C-A.
Other names: c.1440C>A, p.Ile480= (NM_001079821.3, NM_001127461.3, NM_001127462.3 and 1 more transcripts); c.1446C>A, p.Ile482= (NM_004895.5).
Identifiers: ClinVar variation 765309 (VCV000765309.11), dbSNP rs756162800, ClinGen allele CA1495029.

ClinVar aggregate classification (germline): Benign/Likely benign. Review status: criteria provided, multiple submitters, no conflicts (2 of 4 stars). 4 submissions from 2 submitters: Benign (3); Likely benign (1). Last evaluated 2023-01-12.

Conditions:
Chronic infantile neurological, cutaneous and articular syndrome (CINCA). Also called: CHRONIC NEUROLOGIC CUTANEOUS AND ARTICULAR SYNDROME; Prieur Griscelli syndrome; CINCA syndrome; CRYOPYRIN-ASSOCIATED PERIODIC SYNDROME 3. Identifiers: Orphanet 1451, MedGen C0409818, MONDO:0011776, OMIM 607115.
Familial cold autoinflammatory syndrome 1 (FCAS1). Also called: CRYOPYRIN-ASSOCIATED PERIODIC SYNDROME 1; Familial cold inflammatory syndrome 1. Identifiers: Orphanet 47045, MedGen C4551895, MONDO:0007349, OMIM 120100.
Familial amyloid nephropathy with urticaria AND deafness (MWS). Also called: MUCKLE-WELLS SYNDROME; Urticaria, deafness and amyloidosis; UDA SYNDROME; URTICARIA-DEAFNESS-AMYLOIDOSIS SYNDROME; CRYOPYRIN-ASSOCIATED PERIODIC SYNDROME 2. Identifiers: Orphanet 575, MedGen C0268390, MONDO:0008633, OMIM 191900.
Cryopyrin associated periodic syndrome (CAPS). Identifiers: Orphanet 208650, MedGen C2316212, MONDO:0016168.

gnomAD v4.1: 11 of 1,610,216 alleles (0.00068%); highest among the groups gnomAD compares: South Asian, 0.012%; no homozygotes.

Submissions (4):

Labcorp Genetics (formerly Invitae), Labcorp
Classification: Likely benign for Cryopyrin associated periodic syndrome. Last evaluated: 2023-01-12. Review status: criteria provided, single submitter. Criteria: Invitae Variant Classification Sherloc (09022015). Collection method: clinical testing. Allele origin: germline.

Illumina Laboratory Services, Illumina
Classification: Benign for Chronic infantile neurological, cutaneous and articular syndrome. Last evaluated: 2018-01-13. Review status: criteria provided, single submitter. Criteria: ICSL Variant Classification Criteria 13 December 2019. Collection method: clinical testing. Allele origin: germline.
Comment: This variant was observed in the ICSL laboratory as part of a predisposition screen in an ostensibly healthy population. It had not been previously curated by ICSL or reported in the Human Gene Mutation Database (HGMD: prior to June 1st, 2018), and was therefore a candidate for classification through an automated scoring system. Utilizing variant allele frequency, disease prevalence and penetrance estimates, and inheritance mode, an automated score was calculated to assess if this variant is too frequent to cause the disease. Based on the score and internal cut-off values, a variant classified as benign is not then subjected to further curation. The score for this variant resulted in a classification of benign for this disease.

Illumina Laboratory Services, Illumina
Classification: Benign for Familial amyloid nephropathy with urticaria AND deafness. Last evaluated: 2018-01-13. Review status: criteria provided, single submitter. Criteria: ICSL Variant Classification Criteria 13 December 2019. Collection method: clinical testing. Allele origin: germline.
Comment: the same text as in the submission from Illumina Laboratory Services, Illumina above.

Illumina Laboratory Services, Illumina
Classification: Benign for Familial cold autoinflammatory syndrome 1. Last evaluated: 2018-01-13. Review status: criteria provided, single submitter. Criteria: ICSL Variant Classification Criteria 13 December 2019. Collection method: clinical testing. Allele origin: germline.
Comment: the same text as in the submission from Illumina Laboratory Services, Illumina above.